The following is an entry in ClinVar:

ClinVar aggregate classification (germline): Likely benign (1 of 4 stars; one submission).

Allele frequency attached by ClinVar (database versions not stated): 1000 Genomes Project 0.00300; 1000 Genomes Project 30x 0.00390; gnomAD 0.00432 and 0.00459; TOPMed 0.00473.
gnomAD v4.1: 649 of 152,266 alleles (0.43%); highest among the groups gnomAD compares: African/African-American, 1.5%; 9 homozygotes.

Submission:

GeneDx
Classification: Likely benign. Last evaluated: 2018-06-14. Review status: criteria provided, single submitter. Criteria: GeneDx Variant Classification (06012015). Collection method: clinical testing. Allele origin: germline. Affected: yes.
Comment: This variant is considered likely benign or benign based on one or more of the following criteria: it is a conservative change, it occurs at a poorly conserved position in the protein, it is predicted to be benign by multiple in silico algorithms, and/or has population frequency not consistent with disease.

NM_001148.6(ANK2):c.186+343A>G

Gene: ANK2 (ankyrin 2; plus strand). Cytogenetic location: 4q25.
Variant type: single nucleotide variant.
Coding change: c.186+343A>G on transcript NM_001148.6 (MANE Select); 343 bases into the intron after coding-DNA position 186, A replaced by G.
Molecular consequence: intron variant.
Genome position (GRCh38, 1-based): chr4:113,174,860, A>G. VCF-style: chr4-113174860-A-G. GRCh37 (hg19) VCF-style: chr4-114096016-A-G.
Other names: c.174+343A>G (NM_001386186.2, NM_001386148.2, NM_001354269.3 and 1 more transcripts); c.168+343A>G (NM_001386147.1, NM_001386160.1, NM_001354261.2); c.123+343A>G (NM_001354254.2, NM_001354239.2, NM_001354252.2 and 33 more transcripts); c.231+343A>G (NM_001354241.2, NM_001386152.1, NM_001354237.2 and 5 more transcripts); c.186+343A>G (NM_001354225.2, NM_001354235.2, NM_001354246.2 and 9 more transcripts); c.237+343A>G (NM_001386174.1, NM_001386175.1).
Identifiers: ClinVar variation 669890 (VCV000669890.1), dbSNP rs115273142, ClinGen allele CA104497037.
Genomic context (GRCh38, chr4:113,174,860, plus strand): 5'-ATGTTTTACTTCTCATTTATCATCTAGTAATCCAGATCTTGGCTTCTTTCCTTCTTGACT[A>G]TATGCACTTTACTCATGGGAAACTGATTATTACAATTTAGTATACAGAAATAAGAGGATA-3'